The following is an entry in ClinVar:

ClinVar aggregate classification (germline): Conflicting classifications of pathogenicity. Review status: criteria provided, conflicting classifications (1 of 4 stars). 3 submissions from 3 submitters: Uncertain significance (1); Likely benign (2). Last evaluated 2026-04-28.

Conditions:
Melanoma, cutaneous malignant, susceptibility to, 5. Also called: Cutaneous malignant melanoma 5. Identifiers: Orphanet 618, MedGen C2751295, MONDO:0013133, OMIM 613099.

Allele frequency attached by ClinVar (database versions not stated): ESP Exome Variant Server 0.00008; gnomAD 0.00010; TOPMed 0.00014; 1000 Genomes Project 0.00020; 1000 Genomes Project 30x 0.00031.
gnomAD v4.1: 182 of 1,613,988 alleles (0.011%); highest among the groups gnomAD compares: Admixed American, 0.067%; no homozygotes.

Submissions (3):

Women's Health and Genetics/Laboratory Corporation of America, LabCorp
Classification: Uncertain significance. Last evaluated: 2026-04-28. Review status: criteria provided, single submitter. Criteria: LabCorp Variant Classification Summary - May 2015. Collection method: clinical testing. Allele origin: germline.
Comment: Variant summary: MC1R c.861C>G (p.Ile287Met) results in a conservative amino acid change in the encoded protein sequence. Algorithms developed to predict the effect of missense changes on protein structure and function are either unavailable or do not agree on the potential impact of this missense change. The variant allele was found at a frequency of 0.00021 in 249168 control chromosomes (gnomAD). This frequency is not significantly higher than estimated for disease-causing variants in MC1R, allowing no conclusion about variant significance. c.861C>G has been observed in individuals affected with melanoma (e.g. Menin_2011). These report(s) do not provide unequivocal conclusions about association of the variant with MC1R-Related Disorders. To our knowledge, no experimental evidence demonstrating an impact on protein function has been reported. The following publication has been ascertained in the context of this evaluation (PMID: 21672182). ClinVar contains an entry for this variant (Variation ID: 406210). Based on the evidence outlined above, the variant was classified as uncertain significance.

Labcorp Genetics (formerly Invitae), Labcorp
Classification: Likely benign for Melanoma, cutaneous malignant, susceptibility to, 5. Last evaluated: 2025-07-29. Review status: criteria provided, single submitter. Criteria: Invitae Variant Classification Sherloc (09022015). Collection method: clinical testing. Allele origin: germline.

Illumina Laboratory Services, Illumina
Classification: Likely benign for Melanoma, cutaneous malignant, susceptibility to, 5. Last evaluated: 2017-04-27. Review status: criteria provided, single submitter. Criteria: ICSL Variant Classification Criteria 13 December 2019. Collection method: clinical testing. Allele origin: germline.
Comment: This variant was observed as part of a predisposition screen in an ostensibly healthy population. A literature search was performed for the gene, cDNA change, and amino acid change (where applicable). Publications were found based on this search. The evidence from the literature, in combination with allele frequency data from public databases where available, was sufficient to determine this variant is unlikely to cause disease. Therefore, this variant is classified as likely benign.

Literature cited by the submitters: PubMed 21672182 (cited by Women's Health and Genetics/Laboratory Corporation of America, LabCorp); PubMed 10733465 (cited by Illumina Laboratory Services, Illumina); PubMed 19269164 (cited by Illumina Laboratory Services, Illumina); PubMed 19585506 (cited by Illumina Laboratory Services, Illumina).

NM_002386.4(MC1R):c.861C>G (p.Ile287Met)

Gene: MC1R (melanocortin 1 receptor; plus strand). Cytogenetic location: 16q24.3.
Variant type: single nucleotide variant.
Coding change: c.861C>G on transcript NM_002386.4 (MANE Select); coding-DNA position 861, C replaced by G.
Protein change: p.Ile287Met; replaces isoleucine 287 with methionine.
Molecular consequence: missense variant.
Genome position (GRCh38, 1-based): chr16:89,920,119, C>G. VCF-style: chr16-89920119-C-G. GRCh37 (hg19) VCF-style: chr16-89986527-C-G.
Other names: short protein forms I287M.
Identifiers: ClinVar variation 406210 (VCV000406210.13), dbSNP rs373957223, ClinGen allele CA8255782.